The following is an entry in ClinVar:

NM_001083962.2(TCF4):c.721A>C (p.Met241Leu)

Gene: TCF4 (transcription factor 4; minus strand). Cytogenetic location: 18q21.2.
Variant type: single nucleotide variant.
Coding change: c.721A>C on transcript NM_001083962.2 (MANE Select); coding-DNA position 721, A replaced by C.
Protein change: p.Met241Leu; replaces methionine 241 with leucine.
Molecular consequence: missense variant.
Genome position (GRCh38, 1-based): chr18:55,275,687, T>G on the plus strand (A>C on the coding strand, the complement: TCF4 is on the minus strand). VCF-style: chr18-55275687-T-G. GRCh37 (hg19) VCF-style: chr18-52942918-T-G.
Other names: c.1027A>C, p.Met343Leu (NM_001243226.3); c.649A>C, p.Met217Leu (NM_001243227.2, NM_001306207.1, NM_001348217.1 and 9 more transcripts); c.739A>C, p.Met247Leu (NM_001243228.2); c.715A>C, p.Met239Leu (NM_001243230.2); c.595A>C, p.Met199Leu (NM_001243231.2, NM_001348211.2); c.508A>C, p.Met170Leu (NM_001243232.1, NM_001306208.1); c.331A>C, p.Met111Leu (NM_001243233.2, NM_001330605.3, NM_001348212.2 and 1 more transcripts); c.241A>C, p.Met81Leu (NM_001243234.2, NM_001243235.2, NM_001243236.2 and 2 more transcripts); and 4 more; short protein forms M111L, M170L, M199L, M216L, M217L, M239L, M240L, M241L.
Identifiers: ClinVar variation 3359779 (VCV003359779.1).

ClinVar aggregate classification (germline): Uncertain significance (1 of 4 stars; one submission).

Submission:

GeneDx
Classification: Uncertain significance. Last evaluated: 2023-06-12. Review status: criteria provided, single submitter. Criteria: GeneDx Variant Classification Process June 2021. Collection method: clinical testing. Allele origin: germline. Affected: yes.
Comment: Has not been previously published as pathogenic or benign to our knowledge; In silico analysis supports that this missense variant does not alter protein structure/function; Not observed at significant frequency in large population cohorts (gnomAD)